The following is an entry in ClinVar:

NM_000045.4(ARG1):c.877del (p.Thr292_Val293insTer)

Genes: ARG1 (arginase 1; plus strand), MED23 (mediator complex subunit 23; minus strand). Cytogenetic location: 6q23.2.
Variant type: Deletion.
Coding change: c.877del on transcript NM_000045.4 (MANE Select); coding-DNA position 877, one base deleted (G; older notation c.877delG).
Protein change: p.Thr292_Val293insTer.
Molecular consequence: nonsense. On other transcripts: non-coding transcript variant (1), intron variant (2).
Genome position (GRCh38, 1-based): chr6:131,583,816, G deleted. VCF-style (leftmost placement, unchanged base first): chr6-131583815-AG-A. GRCh37 (hg19) VCF-style: chr6-131904955-AG-A.
Other names: c.901del, p.Thr300_Val301insTer (NM_001244438.2); c.622del, p.Thr207_Val208insTer (NM_001369020.1); c.4077+3893del (NM_001270521.2); c.4095+3893del (NM_015979.4).
Identifiers: ClinVar variation 2910205 (VCV002910205.3), dbSNP rs2482391576, ClinGen allele CA2695207017.

ClinVar aggregate classification (germline): Pathogenic (1 of 4 stars; one submission).

Conditions:
Arginase deficiency. Also called: Arginase 1 Deficiency; ARGININEMIA; ARG1 DEFICIENCY. Identifiers: Orphanet 90, MedGen C0268548, MONDO:0008814, OMIM 207800.

Submission:

Labcorp Genetics (formerly Invitae), Labcorp
Classification: Pathogenic for Arginase deficiency. Last evaluated: 2023-02-14. Review status: criteria provided, single submitter. Criteria: Invitae Variant Classification Sherloc (09022015). Collection method: clinical testing. Allele origin: germline.
Comment: This variant is not present in population databases (gnomAD no frequency). This premature translational stop signal has been observed in individual(s) with arginase deficiency (PMID: 29726057). This variant disrupts a region of the ARG1 protein in which other variant(s) (p.Arg308Gln) have been determined to be pathogenic (PMID: 22959135). This suggests that this is a clinically significant region of the protein, and that variants that disrupt it are likely to be disease-causing. For these reasons, this variant has been classified as Pathogenic. This sequence change creates a premature translational stop signal (p.Val293*) in the ARG1 gene. While this is not anticipated to result in nonsense mediated decay, it is expected to disrupt the last 30 amino acid(s) of the ARG1 protein.

Literature cited by the submitters: PubMed 29726057; PubMed 22959135.